The following is an entry in ClinVar:

NM_016312.3(WBP11):c.271C>T (p.Arg91Cys)

Gene: WBP11 (WW domain binding protein 11; minus strand). Cytogenetic location: 12p12.3.
Variant type: single nucleotide variant.
Coding change: c.271C>T on transcript NM_016312.3 (MANE Select); coding-DNA position 271, C replaced by T.
Protein change: p.Arg91Cys; replaces arginine 91 with cysteine.
Molecular consequence: missense variant.
Genome position (GRCh38, 1-based): chr12:14,796,923, G>A on the plus strand (C>T on the coding strand, the complement: WBP11 is on the minus strand). VCF-style: chr12-14796923-G-A. GRCh37 (hg19) VCF-style: chr12-14949857-G-A.
Other names: short protein forms R91C.
Identifiers: ClinVar variation 4819307 (VCV004819307.1).

ClinVar aggregate classification (germline): Likely pathogenic (1 of 4 stars; one submission).

Conditions:
Vertebral, cardiac, tracheoesophageal, renal, and limb defects. Also called: VCTERL SYNDROME. Identifiers: MedGen C5543189, MONDO:0030987, OMIM 619227.

gnomAD v4.1: 4 of 1,611,374 alleles (0.00025%); highest among the groups gnomAD compares: East Asian, 0.0022%; no homozygotes.

Submission:

Hunan Provincial Maternal and Child Health Care Hospital
Classification: Likely pathogenic for Vertebral, cardiac, tracheoesophageal, renal, and limb defects. Last evaluated: 2026-03-24. Review status: criteria provided, single submitter. Criteria: ACMG Guidelines, 2015. Collection method: clinical testing. Allele origin: de novo. Affected: yes. Observed: 1 variant allele.
Comment: The variant is located within a critical region of the protein and reducing protein stability (PM1). Multiple computational algorithms predicted a deleterious impact on protein function (Revel value=0.816; CADD_Phred value=25.1; PolyPhen2_HVAR value=0.996) (PP3).the WBP11 gene demonstrates significant missense constraint (Z-score=3.42), indicating that missense variants are a known disease mechanism and benign variants are rare in this gene (PP2).